The following is an entry in ClinVar:

ClinVar aggregate classification (germline): Pathogenic (1 of 4 stars; one submission).

Conditions:
BAP1-related tumor predisposition syndrome (TPDS1). Also called: Tumor susceptibility linked to germline BAP1 mutations; COMMON Syndrome; TUMOR PREDISPOSITION SYNDROME 1; BAP1 tumor predisposition syndrome. Identifiers: Orphanet 289539, MedGen C3280492, MONDO:0013692, OMIM 614327.

Submission:

Labcorp Genetics (formerly Invitae), Labcorp
Classification: Pathogenic for BAP1-related tumor predisposition syndrome. Last evaluated: 2024-04-29. Review status: criteria provided, single submitter. Criteria: Invitae Variant Classification Sherloc (09022015). Collection method: clinical testing. Allele origin: germline.
Comment: This sequence change creates a premature translational stop signal (p.Pro135Argfs*52) in the BAP1 gene. It is expected to result in an absent or disrupted protein product. Loss-of-function variants in BAP1 are known to be pathogenic (PMID: 21874000, 23684012). This variant is not present in population databases (gnomAD no frequency). This variant has not been reported in the literature in individuals affected with BAP1-related conditions. For these reasons, this variant has been classified as Pathogenic.

Literature cited by the submitters: PubMed 21874000; PubMed 23684012.

NM_004656.4(BAP1):c.404del (p.Pro135fs)

Gene: BAP1 (BRCA1 associated deubiquitinase 1; minus strand). Cytogenetic location: 3p21.1.
Variant type: Deletion.
Coding change: c.404del on transcript NM_004656.4 (MANE Select); coding-DNA position 404, one base deleted (C; older notation c.404delC).
Protein change: p.Pro135fs; shifts the reading frame from proline 135.
Molecular consequence: frameshift variant.
Genome position (GRCh38, 1-based): chr3:52,407,432, G deleted on the plus strand (C on the coding strand, the reverse complement: BAP1 is on the minus strand); the first of 4 consecutive G bases (chr3:52,407,432-52,407,435); deleting any one gives the same sequence. VCF-style (leftmost placement, unchanged base first): chr3-52407431-CG-C. GRCh37 (hg19) VCF-style: chr3-52441447-CG-C.
Other names: c.404del, p.Pro135fs (NM_001410772.1); short protein forms P135fs.
Identifiers: ClinVar variation 3651417 (VCV003651417.2).